The following is an entry in ClinVar:

ClinVar aggregate classification (germline): Uncertain significance. Review status: criteria provided, multiple submitters, no conflicts (2 of 4 stars). 3 submissions from 3 submitters: Uncertain significance (3). Last evaluated 2025-08-24.

Conditions:
Inborn genetic diseases. Identifiers: MedGen C0950123, MeSH D030342.

Allele frequency attached by ClinVar (database versions not stated): gnomAD exomes 0.00004 and 0.00006; ExAC 0.00008; ESP Exome Variant Server 0.00008; gnomAD 0.00008 and 0.00011; TOPMed 0.00016; 1000 Genomes Project 30x 0.00031; 1000 Genomes Project 0.00040.
gnomAD v4.1: 73 of 1,614,194 alleles (0.0045%); highest among the groups gnomAD compares: South Asian, 0.032%; no homozygotes.

Submissions (3):

Ambry Genetics
Classification: Uncertain significance for Inborn genetic diseases. Last evaluated: 2025-08-24. Review status: criteria provided, single submitter. Criteria: Ambry Variant Classification Scheme 2023. Collection method: clinical testing. Allele origin: germline.

Blueprint Genetics
Classification: Uncertain significance. Last evaluated: 2024-03-01. Review status: criteria provided, single submitter. Criteria: ACMG Guidelines, 2015. Collection method: clinical testing. Allele origin: germline.

Labcorp Genetics (formerly Invitae), Labcorp
Classification: Uncertain significance. Last evaluated: 2022-08-16. Review status: criteria provided, single submitter. Criteria: Invitae Variant Classification Sherloc (09022015). Collection method: clinical testing. Allele origin: germline.
Comment: This sequence change replaces arginine, which is basic and polar, with glutamine, which is neutral and polar, at codon 84 of the ARL2BP protein (p.Arg84Gln). This variant is present in population databases (rs200460351, gnomAD 0.03%). This variant has not been reported in the literature in individuals affected with ARL2BP-related conditions. ClinVar contains an entry for this variant (Variation ID: 845738). Algorithms developed to predict the effect of missense changes on protein structure and function are either unavailable or do not agree on the potential impact of this missense change (SIFT: "Deleterious"; PolyPhen-2: "Benign"; Align-GVGD: "Class C35"). In summary, the available evidence is currently insufficient to determine the role of this variant in disease. Therefore, it has been classified as a Variant of Uncertain Significance.

NM_012106.4(ARL2BP):c.251G>A (p.Arg84Gln)

Gene: ARL2BP (ARF like GTPase 2 binding protein; plus strand). Cytogenetic location: 16q13.
Variant type: single nucleotide variant.
Coding change: c.251G>A on transcript NM_012106.4 (MANE Select); coding-DNA position 251, G replaced by A.
Protein change: p.Arg84Gln; replaces arginine 84 with glutamine.
Molecular consequence: missense variant.
Genome position (GRCh38, 1-based): chr16:57,249,810, G>A. VCF-style: chr16-57249810-G-A. GRCh37 (hg19) VCF-style: chr16-57283722-G-A.
Other names: short protein forms R84Q.
Identifiers: ClinVar variation 845738 (VCV000845738.7), dbSNP rs200460351, ClinGen allele CA8074902.